The following is an entry in ClinVar:

NM_000059.4(BRCA2):c.1672A>G (p.Ile558Val)

Gene: BRCA2 (BRCA2 DNA repair associated; plus strand). Cytogenetic location: 13q13.1.
Variant type: single nucleotide variant.
Coding change: c.1672A>G on transcript NM_000059.4 (MANE Select); coding-DNA position 1672, A replaced by G.
Protein change: p.Ile558Val; replaces isoleucine 558 with valine.
Molecular consequence: missense variant.
Genome position (GRCh38, 1-based): chr13:32,333,150, A>G. VCF-style: chr13-32333150-A-G. GRCh37 (hg19) VCF-style: chr13-32907287-A-G.
Other names: short protein forms I558V.
Identifiers: ClinVar variation 940816 (VCV000940816.11), dbSNP rs759415233, ClinGen allele CA6940533.
Genomic context (GRCh38, chr13:32,333,150, plus strand): 5'-AGTGGACTGGAAATACATACTGTTTGCTCACAGAAGGAGGACTCCTTATGTCCAAATTTA[A>G]TTGATAATGGAAGCTGGCCAGCCACCACCACACAGAATTCTGTAGCTTTGAAGAATGCAG-3'
Protein context (NP_000050.3, residues 548-568): QKEDSLCPNL[Ile558Val]DNGSWPATTT

ClinVar aggregate classification (germline): Conflicting classifications of pathogenicity. Review status: criteria provided, conflicting classifications (1 of 4 stars). 3 submissions from 3 submitters: Uncertain significance (1); Likely benign (1). 1 of the submissions does not count toward it. Last evaluated 2025-08-24.

Conditions:
Hereditary breast ovarian cancer syndrome. Also called: Hereditary breast and/or ovarian cancer syndrome; Hereditary breast and ovarian cancer syndrome; Hereditary breast and ovarian cancer; Hereditary breast and ovarian cancer syndrome (HBOC); Breast and ovarian cancer; BRCA1- and BRCA2-Associated Hereditary Breast and Ovarian Cancer. Identifiers: Orphanet 145, MedGen C0677776, MeSH D061325, MONDO:0003582. Disease mechanism: loss of function.
Hereditary cancer-predisposing syndrome. Also called: Hereditary neoplastic syndrome; Neoplastic Syndromes, Hereditary; Tumor predisposition; Hereditary Cancer Syndrome. Identifiers: Orphanet 140162, MedGen C0027672, MeSH D009386, MONDO:0015356.
Malignant tumor of breast. Also called: Malignant breast neoplasm; Cancer breast. Identifiers: MedGen C0006142, MONDO:0007254. Disease mechanism: loss of function.

Allele frequency attached by ClinVar (database versions not stated): gnomAD exomes below 0.00001; ExAC 0.00001.
gnomAD v4.1: 1 of 1,614,150 alleles (0.000062%); highest among the groups gnomAD compares: Non-Finnish European, 0.000085%; no homozygotes.

Submissions (3):

Labcorp Genetics (formerly Invitae), Labcorp
Classification: Uncertain significance for Hereditary breast ovarian cancer syndrome. Last evaluated: 2025-08-24. Review status: criteria provided, single submitter. Criteria: Invitae Variant Classification Sherloc (09022015). Collection method: clinical testing. Allele origin: germline.
Comment: This sequence change replaces isoleucine, which is neutral and non-polar, with valine, which is neutral and non-polar, at codon 558 of the BRCA2 protein (p.Ile558Val). This variant is present in population databases (rs759415233, gnomAD 0.0009%). This variant has not been reported in the literature in individuals affected with BRCA2-related conditions. ClinVar contains an entry for this variant (Variation ID: 940816). Invitae Evidence Modeling of protein sequence and biophysical properties (such as structural, functional, and spatial information, amino acid conservation, physicochemical variation, residue mobility, and thermodynamic stability) indicates that this missense variant is not expected to disrupt BRCA2 protein function with a negative predictive value of 95%. In summary, the available evidence is currently insufficient to determine the role of this variant in disease. Therefore, it has been classified as a Variant of Uncertain Significance.

University of Washington Department of Laboratory Medicine, University of Washington
Classification: Likely benign for Hereditary cancer-predisposing syndrome. Last evaluated: 2023-03-23. Review status: criteria provided, single submitter. Criteria: Dines et al. (Genet Med. 2020). Collection method: curation. Allele origin: germline.
Comment: Missense variant in a coldspot region where missense variants are very unlikely to be pathogenic (PMID:31911673).

BRCA2 exon 10 coldspot. Reclassification based on statistical prior probability.

Department of Pathology and Laboratory Medicine, Sinai Health System
Classification: Uncertain significance for Malignant tumor of breast. Review status: no assertion criteria provided. Collection method: clinical testing. Allele origin: unknown. Affected: yes. Study: The Canadian Open Genetics Repository (COGR). Not counted in ClinVar's aggregate classification.
Comment: The BRCA2 p.Ile558Val variant was not identified in the literature nor was it identified in the ClinVar, LOVD 3.0, or UMD-LSDB databases. The variant was identified in dbSNP (ID: rs759415233) as â€šÃ„ÃºNAâ€šÃ„Ã¹. The variant was also identified in control databases in 1 of 246060 chromosomes at a frequency of 0.000004 (Genome Aggregation Database Feb 27, 2017), observed in the following European population in 1 of 111598 chromosomes (freq: 0.000009), while it was not observed in the African, Other, Latino, Ashkenazi Jewish, East Asian, Finnish, or South Asian populations. The p.Ile558 residue is not conserved in mammals and computational analyses (PolyPhen-2, SIFT, AlignGVGD, BLOSUM, MutationTaster) do not suggest a high likelihood the Val variant impacts the protein; however, this information is not predictive enough to rule out pathogenicity. The variant occurs outside of the splicing consensus sequence and 1 of 4 in silico or computational prediction software programs (SpliceSiteFinder, MaxEntScan, NNSPLICE, GeneSplicer) predicts a greater than 10% difference in splicing; this is not very predictive of pathogenicity. In summary, based on the above information, the clinical significance of this variant cannot be determined with certainty at this time. This variant is classified as a variant of uncertain significance.